The following is an entry in ClinVar:

NM_032608.7(MYO18B):c.4913G>T (p.Arg1638Leu)

Gene: MYO18B (myosin XVIIIB; plus strand). Cytogenetic location: 22q12.1.
Variant type: single nucleotide variant.
Coding change: c.4913G>T on transcript NM_032608.7 (MANE Select); coding-DNA position 4913, G replaced by T.
Protein change: p.Arg1638Leu; replaces arginine 1638 with leucine.
Molecular consequence: missense variant.
Genome position (GRCh38, 1-based): chr22:25,902,702, G>T. VCF-style: chr22-25902702-G-T. GRCh37 (hg19) VCF-style: chr22-26298669-G-T.
Other names: c.4913G>T (NM_032608.5); c.4916G>T, p.Arg1639Leu (NM_001318245.2); short protein forms R1638L, R1639L.
Identifiers: ClinVar variation 1519090 (VCV001519090.7), dbSNP rs758365982, ClinGen allele CA10161024.

ClinVar aggregate classification (germline): Uncertain significance. Review status: criteria provided, multiple submitters, no conflicts (2 of 4 stars). 2 submissions from 2 submitters: Uncertain significance (2). Last evaluated 2025-03-22.

Conditions:
Inborn genetic diseases. Identifiers: MedGen C0950123, MeSH D030342.

Allele frequency attached by ClinVar (database versions not stated): TOPMed 0.00001; gnomAD 0.00002 and 0.00003.
gnomAD v4.1: 26 of 1,591,438 alleles (0.0016%); highest among the groups gnomAD compares: Non-Finnish European, 0.0015%; 1 homozygote.

Submissions (2):

Ambry Genetics
Classification: Uncertain significance for Inborn genetic diseases. Last evaluated: 2025-03-22. Review status: criteria provided, single submitter. Criteria: Ambry Variant Classification Scheme 2023. Collection method: clinical testing. Allele origin: germline.

Labcorp Genetics (formerly Invitae), Labcorp
Classification: Uncertain significance. Last evaluated: 2021-10-13. Review status: criteria provided, single submitter. Criteria: Invitae Variant Classification Sherloc (09022015). Collection method: clinical testing. Allele origin: germline.
Comment: Algorithms developed to predict the effect of missense changes on protein structure and function are either unavailable or do not agree on the potential impact of this missense change (SIFT: "Not Available"; PolyPhen-2: "Benign"; Align-GVGD: "Not Available"). In summary, the available evidence is currently insufficient to determine the role of this variant in disease. Therefore, it has been classified as a Variant of Uncertain Significance. This variant has not been reported in the literature in individuals affected with MYO18B-related conditions. The frequency data for this variant in the population databases is considered unreliable, as metrics indicate poor data quality at this position in the gnomAD database. This sequence change replaces arginine, a(n) basic and polar amino acid, with leucine, a(n) neutral and non-polar amino acid, at codon 1638 of the MYO18B protein (p.Arg1638Leu).